The following is an entry in ClinVar:

ClinVar aggregate classification (germline): Conflicting classifications of pathogenicity. Review status: criteria provided, conflicting classifications (1 of 4 stars). 5 submissions from 5 submitters: Likely pathogenic (3); Uncertain significance (2). Last evaluated 2026-04-14.

Conditions:
Familial intrahepatic cholestasis. Identifiers: Orphanet 284385, MedGen CN296401, MONDO:0017290.
Progressive familial intrahepatic cholestasis type 2. Identifiers: Orphanet 79304, MedGen C3489789, MONDO:0011156, OMIM 601847.
Benign recurrent intrahepatic cholestasis type 2 (BRIC2). Also called: Recurrent familial intrahepatic cholestasis 2. Identifiers: Orphanet 65682, Orphanet 99961, MedGen C2608083, MONDO:0011559, OMIM 605479.

Submissions (5):

Genomenon, Inc
Classification: Likely pathogenic for Familial intrahepatic cholestasis. Last evaluated: 2026-04-14. Review status: criteria provided, single submitter. Criteria: Genomenon Sequence Variant Interpretation Standards - Updated. Collection method: curation. Allele origin: germline. Affected: yes.
Comment: ABCB11 p.Thr1316LeufsTer64 (c.3945del) is a frameshift variant that results in the production of an extended protein product. This variant has been observed in at least one proband with an ABCB11-related disorder (PMID:35780807;32087350;29091294). It is absent or not present at a significant frequency in gnomAD. In conclusion, we classify ABCB11 p.Thr1316LeufsTer64 (c.3945del) as a likely pathogenic variant.

Natera, Inc.
Classification: Likely pathogenic for Progressive familial intrahepatic cholestasis type 2. Last evaluated: 2025-08-25. Review status: criteria provided, single submitter. Criteria: Natera Variant Classification Schema (03/2026). Collection method: clinical testing. Allele origin: germline.
Comment: The c.3945delC variant in ABCB11 is a frameshift variant predicted to elongate the protein beyond the termination codon. This variant may result in a truncated or dysfunctional protein product. This variant is rare in the general population with a frequency below the threshold expected for the associated phenotype(s). This variant has been observed in one or more individuals affected with the associated recessive disease, as either homozygous or compound heterozygous with a second variant (PMID: 36687469, 34016879, 32087350). Given the available evidence, this variant is classified as Likely Pathogenic.

Broad Center for Mendelian Genomics, Broad Institute of MIT and Harvard
Classification: Uncertain significance for Progressive familial intrahepatic cholestasis type 2. Last evaluated: 2025-01-22. Review status: criteria provided, single submitter. Criteria: ACMG Guidelines, 2015. Collection method: curation. Allele origin: germline. Inheritance: Autosomal recessive inheritance.
Comment: The p.Thr1316LeufsTer64 variant in ABCB11 has been reported in one individual with BSEP deficiency (PMID: 34016879), and has been identified in 0.002% (27/119882) of European (non-Finnish) chromosomes by the Genome Aggregation Database (gnomAD; dbSNP ID: rs886043366). Although this variant has been seen in the general population in a heterozygous state, its frequency is low enough to be consistent with a recessive carrier frequency. This variant has also been reported in ClinVar (Variation ID: 286336) and has been interpreted as a variant of uncertain significance by Eurofins Ntd Llc (ga). This variant is predicted to cause a frameshift, which alters the protein‚Äôs amino acid sequence but does not result in a premature termination codon. This variant is in the last exon and is more likely to escape nonsense mediated decay (NMD). Loss of function of the ABCB11 gene is an established disease mechanism in autosomal recessive BSEP deficiency. In summary, the clinical significance of the p.Thr1316LeufsTer64 variant is uncertain. ACMG/AMP Criteria applied: PVS1_moderate, PM2_supporting (Richards 2015).

Baylor Genetics
Classification: Likely pathogenic for Benign recurrent intrahepatic cholestasis type 2. Last evaluated: 2024-02-13. Review status: criteria provided, single submitter. Criteria: ACMG Guidelines, 2015. Collection method: clinical testing. Allele origin: unknown.

Eurofins Ntd Llc (ga)
Classification: Uncertain significance. Last evaluated: 2016-02-25. Review status: criteria provided, single submitter. Criteria: EGL Classification Definitions 2015. Collection method: clinical testing. Allele origin: germline. Observed: 1 variant allele, 1 heterozygote.

Literature cited by the submitters: PubMed 35780807 (cited by Genomenon, Inc); PubMed 32087350 (cited by Genomenon, Inc and Natera, Inc.); PubMed 29091294 (cited by Genomenon, Inc); PubMed 36687469 (cited by Natera, Inc.); PubMed 34016879 (cited by Natera, Inc.).

NM_003742.4(ABCB11):c.3945del (p.Thr1316fs)

Gene: ABCB11 (ATP binding cassette subfamily B member 11; minus strand). Cytogenetic location: 2q31.1.
Variant type: Deletion.
Coding change: c.3945del on transcript NM_003742.4 (MANE Select); coding-DNA position 3945, one base deleted (C; older notation c.3945delC).
Protein change: p.Thr1316fs; shifts the reading frame from threonine 1316.
Molecular consequence: frameshift variant.
Genome position (GRCh38, 1-based): chr2:168,923,643, G deleted on the plus strand (C on the coding strand, the reverse complement: ABCB11 is on the minus strand); the first of 2 consecutive G bases (chr2:168,923,643-168,923,644); deleting either gives the same sequence. VCF-style (leftmost placement, unchanged base first): chr2-168923642-TG-T. GRCh37 (hg19) VCF-style: chr2-169780152-TG-T.
Other names: NM_003742.4(ABCB11):c.3945del; p.Thr1316fs; c.3945delC (NM_003742.4); c.3945del, p.Thr1316fs (LRG_1199t1); short protein forms T1316fs.
Identifiers: ClinVar variation 286336 (VCV000286336.9), dbSNP rs886043366, ClinGen allele CA10605435.